The following is an entry in ClinVar:

NM_002124.4(HLA-DRB1):c.299_300insAA (p.Arg101fs)

Gene: HLA-DRB1 (major histocompatibility complex, class II, DR beta 1; minus strand). Cytogenetic location: 6p21.32.
Variant type: Insertion.
Coding change: c.299_300insAA on transcript NM_002124.4 (MANE Select); coding-DNA positions 299 to 300, AA inserted.
Protein change: p.Arg101fs; shifts the reading frame from arginine 101.
Molecular consequence: frameshift variant.
Genome position: GRCh38 VCF-style: chr6-32584179-C-CTT. GRCh37 (hg19) VCF-style: chr6-32551956-C-CTT.
Other names: short protein forms R101fs.
Identifiers: ClinVar variation 5038480 (VCV005038480.1).
Genomic context (GRCh38, chr6:32,584,179, plus strand): 5'-CACTGTGAAGCTCTCCACAACCCCGTAGTTGTGTCTGCAGTAGGTGTCCACCGCGGCCCG[C>CTT]GCCTGCTCCAGGATGTCCTTCTGGCTGTTCCAGTACTCAGCGTCAGGCCGCCCCAGCTCC-3'

ClinVar aggregate classification (germline): Likely benign (1 of 4 stars; one submission).

Submission:

CeGaT Center for Human Genetics Tuebingen
Classification: Likely benign. Last evaluated: 2026-07-01. Review status: criteria provided, single submitter. Criteria: CeGaT Center For Human Genetics Tuebingen Variant Classification Criteria Version 2. Collection method: clinical testing. Allele origin: germline. Affected: yes. Observed: 1 variant allele.
Comment: HLA-DRB1: BS2